The following is an entry in ClinVar:

NM_000836.4(GRIN2D):c.3260G>C (p.Gly1087Ala)

Gene: GRIN2D (glutamate ionotropic receptor NMDA type subunit 2D; plus strand). Cytogenetic location: 19q13.33.
Variant type: single nucleotide variant.
Coding change: c.3260G>C on transcript NM_000836.4 (MANE Select); coding-DNA position 3260, G replaced by C.
Protein change: p.Gly1087Ala; replaces glycine 1087 with alanine.
Molecular consequence: missense variant.
Genome position (GRCh38, 1-based): chr19:48,443,186, G>C. VCF-style: chr19-48443186-G-C. GRCh37 (hg19) VCF-style: chr19-48946443-G-C.
Other names: c.3260G>C (NM_000836.2); short protein forms G1087A.
Identifiers: ClinVar variation 1012454 (VCV001012454.47), dbSNP rs1047808762, ClinGen allele CA309299091.
Genomic context (GRCh38, chr19:48,443,186, plus strand): 5'-AGAGCCAACCCCTGCTGGGGCCAGGCGCGGGCGGCGCGGGGGGCACGGGGGGCGCAGGCG[G>C]AGGAGCCCCGGCCGCTCCGCCCCCGTGCCGCGCCGCGCCGCCCCCGTGCCCTTACCTCGA-3'
Protein context (NP_000827.2, residues 1077-1097): GGAGGTGGAG[Gly1087Ala]GAPAAPPPCR

ClinVar aggregate classification (germline): Conflicting classifications of pathogenicity. Review status: criteria provided, conflicting classifications (1 of 4 stars). 3 submissions from 3 submitters: Uncertain significance (1); Likely benign (2). Last evaluated 2026-02-01.

Conditions:
Inborn genetic diseases. Identifiers: MedGen C0950123, MeSH D030342.

Allele frequency attached by ClinVar (database versions not stated): TOPMed 0.00013; gnomAD 0.00018.
gnomAD v4.1: 167 of 1,119,680 alleles (0.015%); highest among the groups gnomAD compares: Middle Eastern, 0.038%; 2 homozygotes.

Submissions (3):

CeGaT Center for Human Genetics Tuebingen
Classification: Likely benign. Last evaluated: 2026-02-01. Review status: criteria provided, single submitter. Criteria: CeGaT Center For Human Genetics Tuebingen Variant Classification Criteria Version 2. Collection method: clinical testing. Allele origin: germline. Affected: yes. Observed: 4 variant alleles.
Comment: GRIN2D: PP2, BS2

Labcorp Genetics (formerly Invitae), Labcorp
Classification: Likely benign. Last evaluated: 2025-10-02. Review status: criteria provided, single submitter. Criteria: Invitae Variant Classification Sherloc (09022015). Collection method: clinical testing. Allele origin: germline.

Ambry Genetics
Classification: Uncertain significance for Inborn genetic diseases. Last evaluated: 2023-12-14. Review status: criteria provided, single submitter. Criteria: Ambry Variant Classification Scheme 2023. Collection method: clinical testing. Allele origin: germline.